The following is an entry in ClinVar:

ClinVar aggregate classification (germline): Uncertain significance. Review status: criteria provided, multiple submitters, no conflicts (2 of 4 stars). 2 submissions from 2 submitters: Uncertain significance (2). Last evaluated 2019-09-01.

Conditions:
Hereditary breast ovarian cancer syndrome. Also called: Hereditary breast and ovarian cancer syndrome; Hereditary breast and ovarian cancer; Hereditary breast and ovarian cancer syndrome (HBOC); Breast and ovarian cancer; Hereditary breast and/or ovarian cancer syndrome; BRCA1- and BRCA2-Associated Hereditary Breast and Ovarian Cancer. Identifiers: Orphanet 145, MedGen C0677776, MeSH D061325, MONDO:0003582. Disease mechanism: loss of function.
Hereditary cancer-predisposing syndrome. Also called: Neoplastic Syndromes, Hereditary; Tumor predisposition; Hereditary neoplastic syndrome; Hereditary Cancer Syndrome. Identifiers: Orphanet 140162, MedGen C0027672, MeSH D009386, MONDO:0015356.

Submissions (2):

Labcorp Genetics (formerly Invitae), Labcorp
Classification: Uncertain significance for Hereditary breast ovarian cancer syndrome. Last evaluated: 2019-09-01. Review status: criteria provided, single submitter. Criteria: Invitae Variant Classification Sherloc (09022015). Collection method: clinical testing. Allele origin: germline.
Comment: In summary, the available evidence is currently insufficient to determine the role of this variant in disease. Therefore, it has been classified as a Variant of Uncertain Significance. Algorithms developed to predict the effect of missense changes on protein structure and function are either unavailable or do not agree on the potential impact of this missense change (SIFT: "Tolerated"; PolyPhen-2: "Probably Damaging"; Align-GVGD: "Class C0"). This variant has not been reported in the literature in individuals with BRCA2-related conditions. This variant is not present in population databases (ExAC no frequency). This sequence change replaces cysteine with serine at codon 3304 of the BRCA2 protein (p.Cys3304Ser). The cysteine residue is moderately conserved and there is a moderate physicochemical difference between cysteine and serine.

Ambry Genetics
Classification: Uncertain significance for Hereditary cancer-predisposing syndrome. Last evaluated: 2018-04-16. Review status: criteria provided, single submitter. Criteria: Ambry Variant Classification Scheme 2023. Collection method: clinical testing. Allele origin: germline.
Comment: The p.C3304S variant (also known as c.9911G>C), located in coding exon 26 of the BRCA2 gene, results from a G to C substitution at nucleotide position 9911. The cysteine at codon 3304 is replaced by serine, an amino acid with dissimilar properties. This amino acid position is well conserved in available vertebrate species. In addition, this alteration is predicted to be tolerated by in silico analysis. Since supporting evidence is limited at this time, the clinical significance of this alteration remains unclear.

NM_000059.4(BRCA2):c.9911G>C (p.Cys3304Ser)

Gene: BRCA2 (BRCA2 DNA repair associated; plus strand). Cytogenetic location: 13q13.1.
Variant type: single nucleotide variant.
Coding change: c.9911G>C on transcript NM_000059.4 (MANE Select); coding-DNA position 9911, G replaced by C.
Protein change: p.Cys3304Ser; replaces cysteine 3304 with serine.
Molecular consequence: missense variant.
Genome position (GRCh38, 1-based): chr13:32,398,424, G>C. VCF-style: chr13-32398424-G-C. GRCh37 (hg19) VCF-style: chr13-32972561-G-C.
Other names: short protein forms C3304S.
Identifiers: ClinVar variation 823550 (VCV000823550.14), dbSNP rs876658506, ClinGen allele CA387767001.
Genomic context (GRCh38, chr13:32,398,424, plus strand): 5'-GTCCCATTTGTACATTTGTTTCTCCGGCTGCACAGAAGGCATTTCAGCCACCAAGGAGTT[G>C]TGGCACCAAATACGAAACACCCATAAAGAAAAAAGAACTGAATTCTCCTCAGATGACTCC-3'
Protein context (NP_000050.3, residues 3294-3314): AQKAFQPPRS[Cys3304Ser]GTKYETPIKK